The following is an entry in ClinVar:

NM_001355436.2(SPTB):c.4033C>T (p.Gln1345Ter)

Gene: SPTB (spectrin beta, erythrocytic; minus strand). Cytogenetic location: 14q23.3.
Variant type: single nucleotide variant.
Coding change: c.4033C>T on transcript NM_001355436.2 (MANE Select); coding-DNA position 4033, C replaced by T.
Protein change: p.Gln1345Ter; replaces glutamine 1345 with a stop codon.
Molecular consequence: nonsense.
Genome position (GRCh38, 1-based): chr14:64,782,523, G>A on the plus strand (C>T on the coding strand, the complement: SPTB is on the minus strand). VCF-style: chr14-64782523-G-A. GRCh37 (hg19) VCF-style: chr14-65249241-G-A.
Other names: p.(Gln1345Ter); c.4033C>T, p.Gln1345Ter (NM_001024858.4, NM_001355437.2); short protein forms Q1345*.
Identifiers: ClinVar variation 1325127 (VCV001325127.6), dbSNP rs2139546760, ClinGen allele CA390045146.

ClinVar aggregate classification (germline): Pathogenic/Likely pathogenic. Review status: criteria provided, multiple submitters, no conflicts (2 of 4 stars). 3 submissions from 3 submitters: Pathogenic (2); Likely pathogenic (1). Last evaluated 2025-04-09.

Conditions:
Hereditary spherocytosis type 2. Also called: SPHEROCYTOSIS, TYPE 2, AUTOSOMAL DOMINANT. Identifiers: Orphanet 822, MedGen C2674219, MONDO:0000913, OMIM 616649.

Submissions (3):

Labcorp Genetics (formerly Invitae), Labcorp
Classification: Pathogenic. Last evaluated: 2025-04-09. Review status: criteria provided, single submitter. Criteria: Invitae Variant Classification Sherloc (09022015). Collection method: clinical testing. Allele origin: germline.
Comment: This sequence change creates a premature translational stop signal (p.Gln1345*) in the SPTB gene. It is expected to result in an absent or disrupted protein product. Loss-of-function variants in SPTB are known to be pathogenic (PMID: 1391962, 1498324, 8844207, 26830532, 27292444). This variant is not present in population databases (gnomAD no frequency). This variant has not been reported in the literature in individuals affected with SPTB-related conditions. ClinVar contains an entry for this variant (Variation ID: 1325127). For these reasons, this variant has been classified as Pathogenic.

Department of Pediatrics, Duzce University
Classification: Pathogenic for Hereditary spherocytosis type 2. Last evaluated: 2024-02-12. Review status: criteria provided, single submitter. Criteria: ACMG Guidelines, 2015. Collection method: research. Allele origin: germline. Inheritance: Autosomal dominant inheritance. Affected: yes.
Comment: Nonsense variant predicted to cause a premature stop codon and loss of function; nonsense variants are the most frequent SPTB variant type in hereditary spherocytosis and produce truncated protein, consistent with loss of function in this autosomal dominant gene (More and Kedar, Hum Genet 2025; DOI 10.1007/s00439-025-02748-8) (PVS1). Rare/absent in population databases (PM2_supporting); observed in hereditary spherocytosis (PS4_supporting). Applied ACMG/AMP criteria: PVS1, PM2_supporting, PS4_supporting. Classification: Pathogenic.

Revvity Omics, Revvity
Classification: Likely pathogenic. Last evaluated: 2022-04-18. Review status: criteria provided, single submitter. Criteria: ACMG Guidelines, 2015. Collection method: clinical testing. Allele origin: germline.

Literature cited by the submitters: PubMed 1391962 (cited by Labcorp Genetics (formerly Invitae), Labcorp); PubMed 1498324 (cited by Labcorp Genetics (formerly Invitae), Labcorp); PubMed 8844207 (cited by Labcorp Genetics (formerly Invitae), Labcorp); PubMed 26830532 (cited by Labcorp Genetics (formerly Invitae), Labcorp); PubMed 27292444 (cited by Labcorp Genetics (formerly Invitae), Labcorp); PubMed 40327078 (cited by Department of Pediatrics, Duzce University).